The following is an entry in ClinVar:

ClinVar aggregate classification (germline): Pathogenic/Likely pathogenic. Review status: criteria provided, multiple submitters, no conflicts (2 of 4 stars). 15 submissions from 15 submitters: Pathogenic (12); Likely pathogenic (1). 2 of the submissions do not count toward it. Last evaluated 2025-08-15.

Conditions:
Inborn genetic diseases. Identifiers: MedGen C0950123, MeSH D030342.
Intellectual disability-hypotonic facies syndrome, X-linked, 1 (MRXHF1). Also called: CHUDLEY-LOWRY SYNDROME; Chudley syndrome 1; Chudley-Lowry-Hoar syndrome; Carpenter-Waziri syndrome; XLMR-HYPOTONIC FACIES SYNDROME; X-linked intellectual disability-hypotonic face syndrome. Identifiers: Orphanet 73220, Orphanet 93970, Orphanet 93971, Orphanet 93972, Orphanet 93973, Orphanet 93974, Orphanet 93975, MedGen C4759781, MONDO:0010663, OMIM 309580.
Alpha thalassemia-X-linked intellectual disability syndrome (ATRX). Also called: ALPHA-THALASSEMIA/IMPAIRED INTELLECTUAL DEVELOPMENT SYNDROME, X-LINKED; ATR, NONDELETION TYPE; X-linked alpha-thalassemia-mental retardation syndrome; ATR-X syndrome; Alpha thalassemia mental retardation syndrome, nondeletion type, X-linked; XLMR hypotonic face syndrome. Identifiers: Orphanet 847, MedGen C1845055, MONDO:0010519, OMIM 301040.
Acquired hemoglobin H disease (ATMDS). Also called: Alpha-thalassemia-myelodysplastic syndrome; Alpha-thalassemia myelodysplasia syndrome, somatic; Alpha-thalassemia myelodysplasia syndrome. Identifiers: Orphanet 231401, MedGen C0585216, MONDO:0010328, OMIM 300448.
Intellectual disability-hypotonic facies syndrome, X-linked.
Intellectual disability. Also called: Intellectual functioning disability; intellectual disabilities; Intellectual developmental disorder. Identifiers: MedGen C3714756, MeSH D008607, MONDO:0001071, HP:0001249.

Allele frequency attached by ClinVar (database versions not stated): gnomAD exomes below 0.00001.
gnomAD v4.1: 1 of 1,207,923 alleles (0.000083%); highest among the groups gnomAD compares: Non-Finnish European, 0.00011%; no homozygotes.

Submissions 1 to 7 of 15:

Institute of Immunology and Genetics Kaiserslautern
Classification: Pathogenic for Alpha thalassemia-X-linked intellectual disability syndrome. Last evaluated: 2025-08-15. Review status: criteria provided, single submitter. Criteria: ACMG Guidelines, 2015. Collection method: clinical testing. Allele origin: germline. Affected: yes.
Comment: ACMG Criteria: PVS1, PS3, PM2, PP1, PP5; Variant was found in hemizygous state.

Natera, Inc.
Classification: Pathogenic for X-linked alpha-thalassemia-mental retardation syndrome. Last evaluated: 2025-01-22. Review status: criteria provided, single submitter. Criteria: Natera Variant Classification Schema (03/2026). Collection method: clinical testing. Allele origin: germline.
Comment: The c.109C>T variant in ATRX is a nonsense variant predicted to introduce a stop codon at amino acid 37. This variant is expected to result in nonsense mediated decay, truncation, or a dysfunctional protein product. This variant is rare in the general population with a frequency below the threshold expected for the associated phenotype(s). This variant has been observed in affected individual(s) with monoallelic occurrence (heterozygous/hemizygous) (PMID: 24805811, 10632111, 15508018). This variant has been observed to segregate in affected family members (PMID: 24805811). Given the available evidence, this variant is classified as Pathogenic.

Labcorp Genetics (formerly Invitae), Labcorp
Classification: Pathogenic for Alpha thalassemia-X-linked intellectual disability syndrome. Last evaluated: 2024-09-26. Review status: criteria provided, single submitter. Criteria: Invitae Variant Classification Sherloc (09022015). Collection method: clinical testing. Allele origin: germline.
Comment: This sequence change creates a premature translational stop signal (p.Arg37*) in the ATRX gene. It is expected to result in an absent or disrupted protein product. Loss-of-function variants in ATRX are known to be pathogenic (PMID: 15591283, 18409179, 23681356). This variant is not present in population databases (gnomAD no frequency). This premature translational stop signal has been observed in individuals with clinical features of alpha-thalassemia X-linked intellectual disability syndrome (PMID: 10632111, 15508018, 24805811). It has also been observed to segregate with disease in related individuals. ClinVar contains an entry for this variant (Variation ID: 11742). Studies have shown that this premature translational stop signal does not significantly alter or has an unclear effect on ATRX gene expression (PMID: 15508018, 15591283). For these reasons, this variant has been classified as Pathogenic.

GeneDx
Classification: Pathogenic. Last evaluated: 2022-09-12. Review status: criteria provided, single submitter. Criteria: GeneDx Variant Classification Process June 2021. Collection method: clinical testing. Allele origin: germline. Affected: yes.
Comment: Segregates with X-linked intellectual disability, short stature, microcephaly, and dysmorphic features in multiple families; the heterozygous unaffected females showed skewed X-inactivation (Abidi et al., 2005; Basehore et al., 2015); Functional studies suggest that the variant may cause reduced protein expression compared to WT, however additional studies are needed to validate the impact of this variant on splicing (Howard et al., 2004); Nonsense variant predicted to result in protein truncation or nonsense mediated decay in a gene for which loss of function is a known mechanism of disease; Not observed at significant frequency in large population cohorts (gnomAD); This variant is associated with the following publications: (PMID: 25525159, 32170002, 3239563, 25606380, 18409179, 25167861, 25326635, 20301622, 28293299, 33173999, 25679214, 26147798, 31685013, 29491882, 26997013, 20865721, 32277047, 26350204, 30231518, 36031702, 12953102, 28152038, 31452935, 24805811, 10632111, 15508018, 32901917, 15591283)

3billion
Classification: Pathogenic for Intellectual disability-hypotonic facies syndrome, X-linked, 1. Last evaluated: 2021-10-02. Review status: criteria provided, single submitter. Criteria: ACMG Guidelines, 2015. Collection method: clinical testing. Allele origin: germline. Affected: yes. Observed: 1 hemizygote.
Comment: Stop-gained (nonsense): predicted to result in a loss or disruption of normal protein function through nonsense-mediated decay (NMD) or protein truncation. Multiple pathogenic variants are reported downstream of the variant (PVS1_VS). It is not observed in the gnomAD v2.1.1 dataset (PM2). The variant was observed as assumed (i.e. paternity and maternity not confirmed) de novoo (3billion dataset, PM6). The variant has been reported at least twice as pathogenic/likely pathogenic with clinical assertions and evidence for the classification (ClinVar ID: VCV000011742.7). Therefore, this variant is classified as pathogenic according to the recommendation of ACMG/AMP guideline.

Laboratorio de Genetica e Diagnostico Molecular, Hospital Israelita Albert Einstein
Classification: Pathogenic for Intellectual disability-hypotonic facies syndrome, X-linked, 1. Last evaluated: 2021-06-23. Review status: criteria provided, single submitter. Criteria: ACMG Guidelines, 2015. Collection method: clinical testing. Allele origin: germline. Affected: yes.
Comment: ACMG classification criteria: PVS1 very strong, PS4 strong, PM2 moderate, PP1 very strong

Victorian Clinical Genetics Services, Murdoch Childrens Research Institute
Classification: Pathogenic for Alpha thalassemia-X-linked intellectual disability syndrome. Last evaluated: 2020-05-25. Review status: criteria provided, single submitter. Criteria: ACMG Guidelines, 2015. Collection method: clinical testing. Allele origin: germline. Inheritance: X-linked recessive inheritance. Affected: yes.
Comment: Based on the classification scheme VCGS_Germline_v1.1.1, this variant is classified as Pathogenic. Following criteria are met: 0102 - Loss-of-function is a known mechanism of disease for this gene. (N) 0109 - This gene is known to be associated with both X-linked dominant and recessive disease (OMIM). (N) 0201 - Variant is predicted to cause nonsense-mediated decay (NMD) and loss of protein (exon 2 of 35). (P) 0253 - Variant is hemizygous. (N) 0301 - Variant is absent from gnomAD. (P) 0701 - Comparable variants have very strong previous evidence for pathogenicity. Many other NMD-predicted variants have previously been reported as pathogenic (ClinVar). (P) 0801 - Strong previous evidence of pathogenicity in unrelated individuals. The variant has been previously reported in more than 20 male patients with intellectual disability (ClinVar, PMID: 26350204, PMID: 24805811). (P) 0901 - Strong evidence for segregation with disease. The variant has been shown to segregate with disease in affected males in at least 5 families, with unaffected female carriers (PMID: 24805811). (P) 1102 - Strong phenotype match. (N) Legend: (P) - Pathogenic, (N) - Neutral, (B) - Benign

NM_000489.6(ATRX):c.109C>T (p.Arg37Ter)

Gene: ATRX (ATRX chromatin remodeler; minus strand). Cytogenetic location: Xq21.1.
Variant type: single nucleotide variant.
Coding change: c.109C>T on transcript NM_000489.6 (MANE Select); coding-DNA position 109, C replaced by T.
Protein change: p.Arg37Ter; replaces arginine 37 with a stop codon.
Molecular consequence: nonsense.
Genome position (GRCh38, 1-based): chrX:77,717,155, G>A on the plus strand (C>T on the coding strand, the complement: ATRX is on the minus strand). VCF-style: chrX-77717155-G-A. GRCh37 (hg19) VCF-style: chrX-76972632-G-A.
Other names: c.109C>T, p.Arg37Ter (NM_138270.5); c.109C>T (NM_000489.5); short protein forms R37*.
Identifiers: ClinVar variation 11742 (VCV000011742.26), dbSNP rs122445108, ClinGen allele CA121653.